The following is an entry in ClinVar:

NM_080732.4(EGLN2):c.642A>T (p.Lys214Asn)

Genes: EGLN2 (egl-9 family hypoxia inducible factor 2; plus strand), RAB4B-EGLN2 (RAB4B-EGLN2 readthrough (NMD candidate); plus strand). Cytogenetic location: 19q13.2.
Variant type: single nucleotide variant.
Coding change: c.642A>T on transcript NM_080732.4 (MANE Select); coding-DNA position 642, A replaced by T.
Protein change: p.Lys214Asn; replaces lysine 214 with asparagine.
Molecular consequence: missense variant. On other transcripts: non-coding transcript variant (1).
Genome position (GRCh38, 1-based): chr19:40,801,214, A>T. VCF-style: chr19-40801214-A-T. GRCh37 (hg19) VCF-style: chr19-41307119-A-T.
Other names: c.642A>T, p.Lys214Asn (NM_053046.4); short protein forms K214N.
Identifiers: ClinVar variation 2624530 (VCV002624530.2), dbSNP rs2515995004, ClinGen allele CA405955686.

ClinVar aggregate classification (germline): Uncertain significance (1 of 4 stars; one submission).

Submission:

Ambry Genetics
Classification: Uncertain significance. Last evaluated: 2023-08-30. Review status: criteria provided, single submitter. Criteria: Ambry Variant Classification Scheme 2023. Collection method: clinical testing. Allele origin: germline.
Comment: The p.K214N variant (also known as c.642A>T), located in coding exon 1 of the EGLN2 gene, results from an A to T substitution at nucleotide position 642. The lysine at codon 214 is replaced by asparagine, an amino acid with similar properties. This amino acid position is conserved. In addition, this alteration is predicted to be tolerated by in silico analysis. Since supporting evidence is limited at this time, the clinical significance of this alteration remains unclear.